The following is an entry in ClinVar:

ClinVar aggregate classification (germline): Uncertain significance (1 of 4 stars; one submission).

Conditions:
Idiopathic generalized epilepsy. Also called: EIG; Generalised epilepsy. Identifiers: MedGen C0270850, MONDO:0005579, OMIM 600669.

Allele frequency attached by ClinVar (database versions not stated): gnomAD 0.00001; gnomAD exomes 0.00001.
gnomAD v4.1: 4 of 1,608,710 alleles (0.00025%); highest among the groups gnomAD compares: African/African-American, 0.0013%; no homozygotes.

Submission:

Labcorp Genetics (formerly Invitae), Labcorp
Classification: Uncertain significance for Idiopathic generalized epilepsy. Last evaluated: 2022-07-04. Review status: criteria provided, single submitter. Criteria: Invitae Variant Classification Sherloc (09022015). Collection method: clinical testing. Allele origin: germline.
Comment: In summary, the available evidence is currently insufficient to determine the role of this variant in disease. Therefore, it has been classified as a Variant of Uncertain Significance. Algorithms developed to predict the effect of missense changes on protein structure and function are either unavailable or do not agree on the potential impact of this missense change (SIFT: "Deleterious"; PolyPhen-2: "Possibly Damaging"; Align-GVGD: "Class C0"). ClinVar contains an entry for this variant (Variation ID: 1046317). This variant has not been reported in the literature in individuals affected with RBFOX1-related conditions. This variant is not present in population databases (gnomAD no frequency). This sequence change replaces proline, which is neutral and non-polar, with leucine, which is neutral and non-polar, at codon 224 of the RBFOX1 protein (p.Pro224Leu).

NM_018723.4(RBFOX1):c.611C>T (p.Pro204Leu)

Gene: RBFOX1 (RNA binding fox-1 homolog 1; plus strand). Cytogenetic location: 16p13.3.
Variant type: single nucleotide variant.
Coding change: c.611C>T on transcript NM_018723.4 (MANE Select); coding-DNA position 611, C replaced by T.
Protein change: p.Pro204Leu; replaces proline 204 with leucine.
Molecular consequence: missense variant.
Genome position (GRCh38, 1-based): chr16:7,597,420, C>T. VCF-style: chr16-7597420-C-T. GRCh37 (hg19) VCF-style: chr16-7647422-C-T.
Other names: c.611C>T, p.Pro204Leu (NM_001142333.2, NM_001142334.2, NM_001364800.2); c.740C>T, p.Pro247Leu (NM_001308117.1); c.671C>T, p.Pro224Leu (NM_145891.3, NM_145892.3, NM_145893.3); short protein forms P204L, P247L, P224L.
Identifiers: ClinVar variation 1046317 (VCV001046317.9), dbSNP rs1417087822, ClinGen allele CA394683115.
Genomic context (GRCh38, chr16:7,597,420, plus strand): 5'-TATGTACATAGGTAAATAATGCCACAGCACGTGTAATGACAAATAAAAAGACCGTCAACC[C>T]TTATACAAATGGTAAGTAGAGATTGGCCTTTTACAAGAAATTCTCTCTACTTCTGACTCT-3'
Protein context (NP_061193.2, residues 194-214): RVMTNKKTVN[Pro204Leu]YTNGWKLNPV